The following is an entry in ClinVar:

NM_024652.6(LRRK1):c.1014C>G (p.Ser338Arg)

Gene: LRRK1 (leucine rich repeat kinase 1; plus strand). Cytogenetic location: 15q26.3.
Variant type: single nucleotide variant.
Coding change: c.1014C>G on transcript NM_024652.6 (MANE Select); coding-DNA position 1014, C replaced by G.
Protein change: p.Ser338Arg; replaces serine 338 with arginine.
Molecular consequence: missense variant.
Genome position (GRCh38, 1-based): chr15:101,010,474, C>G. VCF-style: chr15-101010474-C-G. GRCh37 (hg19) VCF-style: chr15-101550679-C-G.
Other names: short protein forms S338R.
Identifiers: ClinVar variation 1472936 (VCV001472936.6), dbSNP rs368549166, ClinGen allele CA7760775.
Genomic context (GRCh38, chr15:101,010,474, plus strand): 5'-TATTCTGATGCCTGCCTTCCTTCTTCTCCATCGCAGGCTACTTGAAATTGACATTTCCAG[C>G]AACAAGTTGTCCCACCTCCCTCCTGGATTCTTGCACCTCTCAAAACTTCAAAAACTGACA-3'
Protein context (NP_078928.3, residues 328-348): CSRLLEIDIS[Ser338Arg]NKLSHLPPGF

ClinVar aggregate classification (germline): Uncertain significance (1 of 4 stars; one submission).

Allele frequency attached by ClinVar (database versions not stated): TOPMed below 0.00001; ExAC 0.00001; gnomAD exomes 0.00001 and 0.00002; ESP Exome Variant Server 0.00008.
gnomAD v4.1: 32 of 1,611,672 alleles (0.002%); highest among the groups gnomAD compares: Non-Finnish European, 0.0026%; no homozygotes.

Submission:

Labcorp Genetics (formerly Invitae), Labcorp
Classification: Uncertain significance. Last evaluated: 2022-08-09. Review status: criteria provided, single submitter. Criteria: Invitae Variant Classification Sherloc (09022015). Collection method: clinical testing. Allele origin: germline.
Comment: In summary, the available evidence is currently insufficient to determine the role of this variant in disease. Therefore, it has been classified as a Variant of Uncertain Significance. Algorithms developed to predict the effect of missense changes on protein structure and function (SIFT, PolyPhen-2, Align-GVGD) all suggest that this variant is likely to be tolerated. ClinVar contains an entry for this variant (Variation ID: 1472936). This variant has not been reported in the literature in individuals affected with LRRK1-related conditions. This variant is present in population databases (rs368549166, gnomAD 0.0009%). This sequence change replaces serine, which is neutral and polar, with arginine, which is basic and polar, at codon 338 of the LRRK1 protein (p.Ser338Arg).